The following is an entry in ClinVar:

NM_001372.4(DNAH9):c.2756T>C (p.Ile919Thr)

Genes: DNAH9 (dynein axonemal heavy chain 9; plus strand), LOC126862505 (BRD4-independent group 4 enhancer GRCh37_chr17:11572478-11573677; plus strand). Cytogenetic location: 17p12.
Variant type: single nucleotide variant.
Coding change: c.2756T>C on transcript NM_001372.4 (MANE Select); coding-DNA position 2756, T replaced by C.
Protein change: p.Ile919Thr; replaces isoleucine 919 with threonine.
Molecular consequence: missense variant.
Genome position (GRCh38, 1-based): chr17:11,669,088, T>C. VCF-style: chr17-11669088-T-C. GRCh37 (hg19) VCF-style: chr17-11572405-T-C.
Other names: short protein forms I919T.
Identifiers: ClinVar variation 2508280 (VCV002508280.5), dbSNP rs759638264, ClinGen allele CA8395278.

ClinVar aggregate classification (germline): Uncertain significance. Review status: criteria provided, multiple submitters, no conflicts (2 of 4 stars). 2 submissions from 2 submitters: Uncertain significance (2). Last evaluated 2023-04-27.

Conditions:
Inborn genetic diseases. Identifiers: MedGen C0950123, MeSH D030342.

Allele frequency attached by ClinVar (database versions not stated): ExAC 0.00001; TOPMed 0.00002; gnomAD 0.00004.
gnomAD v4.1: 10 of 1,613,400 alleles (0.00062%); highest among the groups gnomAD compares: African/African-American, 0.012%; no homozygotes.

Submissions (2):

Ambry Genetics
Classification: Uncertain significance for Inborn genetic diseases. Last evaluated: 2023-04-27. Review status: criteria provided, single submitter. Criteria: Ambry Variant Classification Scheme 2023. Collection method: clinical testing. Allele origin: germline.

Labcorp Genetics (formerly Invitae), Labcorp
Classification: Uncertain significance. Last evaluated: 2022-12-09. Review status: criteria provided, single submitter. Criteria: Invitae Variant Classification Sherloc (09022015). Collection method: clinical testing. Allele origin: germline.
Comment: In summary, the available evidence is currently insufficient to determine the role of this variant in disease. Therefore, it has been classified as a Variant of Uncertain Significance. Advanced modeling of protein sequence and biophysical properties (such as structural, functional, and spatial information, amino acid conservation, physicochemical variation, residue mobility, and thermodynamic stability) performed at Invitae indicates that this missense variant is expected to disrupt DNAH9 protein function. This variant has not been reported in the literature in individuals affected with DNAH9-related conditions. This variant is present in population databases (rs759638264, gnomAD 0.02%). This sequence change replaces isoleucine, which is neutral and non-polar, with threonine, which is neutral and polar, at codon 919 of the DNAH9 protein (p.Ile919Thr).